The following is an entry in ClinVar:

ClinVar aggregate classification (germline): Uncertain significance (1 of 4 stars; one submission).

Submission:

Labcorp Genetics (formerly Invitae), Labcorp
Classification: Uncertain significance. Last evaluated: 2023-08-27. Review status: criteria provided, single submitter. Criteria: Invitae Variant Classification Sherloc (09022015). Collection method: clinical testing. Allele origin: germline.
Comment: This sequence change replaces tryptophan, which is neutral and slightly polar, with leucine, which is neutral and non-polar, at codon 873 of the TAOK2 protein (p.Trp873Leu). This variant is present in population databases (rs770242526, gnomAD 0.0009%). This variant has not been reported in the literature in individuals affected with TAOK2-related conditions. An algorithm developed to predict the effect of missense changes on protein structure and function (PolyPhen-2) suggests that this variant is likely to be tolerated. In summary, the available evidence is currently insufficient to determine the role of this variant in disease. Therefore, it has been classified as a Variant of Uncertain Significance.

NM_016151.4(TAOK2):c.2618G>T (p.Trp873Leu)

Gene: TAOK2 (TAO kinase 2; plus strand). Cytogenetic location: 16p11.2.
Variant type: single nucleotide variant.
Coding change: c.2618G>T on transcript NM_016151.4 (MANE Select); coding-DNA position 2618, G replaced by T.
Protein change: p.Trp873Leu; replaces tryptophan 873 with leucine.
Molecular consequence: missense variant. On other transcripts: intron variant (1).
Genome position (GRCh38, 1-based): chr16:29,986,890, G>T. VCF-style: chr16-29986890-G-T. GRCh37 (hg19) VCF-style: chr16-29998211-G-T.
Other names: c.2279G>T, p.Trp760Leu (NM_001252043.2); c.2232+386G>T (NM_004783.4); short protein forms W873L, W760L.
Identifiers: ClinVar variation 2991051 (VCV002991051.3), dbSNP rs770242526, ClinGen allele CA7998421.